The following is an entry in ClinVar:

ClinVar aggregate classification (germline): Uncertain significance. Review status: criteria provided, single submitter (1 of 4 stars). 2 submissions from 2 submitters: Uncertain significance (1). 1 of the submissions does not count toward it. Last evaluated 2024-07-27.

Conditions:
UCP3-related disorder. Also called: UCP3-related condition.

Submissions (2):

Ambry Genetics
Classification: Uncertain significance. Last evaluated: 2024-07-27. Review status: criteria provided, single submitter. Criteria: Ambry Variant Classification Scheme 2023. Collection method: clinical testing. Allele origin: germline.

PreventionGenetics, part of Exact Sciences
Classification: Uncertain significance for UCP3-related condition. Last evaluated: 2024-06-13. Review status: no assertion criteria provided. Collection method: clinical testing. Allele origin: germline. Not counted in ClinVar's aggregate classification.
Comment: The UCP3 c.670G>T variant is predicted to result in the amino acid substitution p.Ala224Ser. To our knowledge, this variant has not been reported in the literature. This variant is reported in 0.012% of alleles in individuals of Latino descent in gnomAD. At this time, the clinical significance of this variant is uncertain due to the absence of conclusive functional and genetic evidence.

NM_003356.4(UCP3):c.670G>T (p.Ala224Ser)

Gene: UCP3 (uncoupling protein 3; minus strand). Cytogenetic location: 11q13.4.
Variant type: single nucleotide variant.
Coding change: c.670G>T on transcript NM_003356.4 (MANE Select); coding-DNA position 670, G replaced by T.
Protein change: p.Ala224Ser; replaces alanine 224 with serine.
Molecular consequence: missense variant.
Genome position (GRCh38, 1-based): chr11:74,003,981, C>A on the plus strand (G>T on the coding strand, the complement: UCP3 is on the minus strand). VCF-style: chr11-74003981-C-A. GRCh37 (hg19) VCF-style: chr11-73715026-C-A.
Other names: c.670G>T, p.Ala224Ser (NM_022803.3); short protein forms A224S.
Identifiers: ClinVar variation 3358197 (VCV003358197.2).